The following is an entry in ClinVar:

ClinVar aggregate classification (germline): Conflicting classifications of pathogenicity. Review status: criteria provided, conflicting classifications (1 of 4 stars). 3 submissions from 3 submitters: Uncertain significance (1); Likely benign (1). 1 of the submissions does not count toward it. Last evaluated 2026-01-31.

Conditions:
Nemaline myopathy 2 (NEM2). Also called: Nemaline myopathy 2, autosomal recessive. Identifiers: MedGen C1850569, MONDO:0009725, OMIM 256030.
NEB-related disorder. Also called: NEB-related condition; NEB-Related Disorders.

Allele frequency attached by ClinVar (database versions not stated): gnomAD exomes 0.00003 and 0.00007; ExAC 0.00009; ESP Exome Variant Server 0.00024; 1000 Genomes Project 30x 0.00031; TOPMed 0.00036; gnomAD 0.00038; 1000 Genomes Project 0.00040.
gnomAD v4.1: 99 of 1,582,688 alleles (0.0063%); highest among the groups gnomAD compares: African/African-American, 0.13%; no homozygotes.

Submissions (3):

Labcorp Genetics (formerly Invitae), Labcorp
Classification: Likely benign for Nemaline myopathy 2. Last evaluated: 2026-01-31. Review status: criteria provided, single submitter. Criteria: Invitae Variant Classification Sherloc (09022015). Collection method: clinical testing. Allele origin: germline.

Eurofins Ntd Llc (ga)
Classification: Uncertain significance. Last evaluated: 2017-11-10. Review status: criteria provided, single submitter. Criteria: EGL Classification Definitions 2015. Collection method: clinical testing. Allele origin: germline. Observed: 1 variant allele, 1 heterozygote.

PreventionGenetics, part of Exact Sciences
Classification: Likely benign for NEB-related condition. Last evaluated: 2019-04-01. Review status: no assertion criteria provided. Collection method: clinical testing. Allele origin: germline. Not counted in ClinVar's aggregate classification.
Comment: This variant is classified as likely benign based on ACMG/AMP sequence variant interpretation guidelines (Richards et al. 2015 PMID: 25741868, with internal and published modifications).

NM_001164508.2(NEB):c.4299+7A>G

Gene: NEB (nebulin; minus strand). Cytogenetic location: 2q23.3.
Variant type: single nucleotide variant.
Coding change: c.4299+7A>G on transcript NM_001164508.2 (MANE Select); 7 bases into the intron after coding-DNA position 4299, A replaced by G.
Molecular consequence: intron variant.
Genome position (GRCh38, 1-based): chr2:151,672,362, T>C on the plus strand (A>G on the coding strand, the complement: NEB is on the minus strand). VCF-style: chr2-151672362-T-C. GRCh37 (hg19) VCF-style: chr2-152528876-T-C.
Other names: c.4299+7A>G (NM_004543.5, NM_001164507.2, NM_001271208.2).
Identifiers: ClinVar variation 594639 (VCV000594639.19), dbSNP rs373926259, ClinGen allele CA1910680.